The following is an entry in ClinVar:

ClinVar aggregate classification (germline): Likely benign. Review status: criteria provided, multiple submitters, no conflicts (2 of 4 stars). 3 submissions from 3 submitters: Likely benign (3). Last evaluated 2026-09-21.

Conditions:
Dilated cardiomyopathy 1G (CMD1G). Identifiers: Orphanet 154, MedGen C1858763, MONDO:0011400, OMIM 604145.
Autosomal recessive limb-girdle muscular dystrophy type 2J (LGMDR10). Also called: Limb-girdle muscular dystrophy, type 2J; MUSCULAR DYSTROPHY, LIMB-GIRDLE, AUTOSOMAL RECESSIVE 10. Identifiers: Orphanet 140922, MedGen C1837342, MONDO:0012127, OMIM 608807.

gnomAD v4.1: 29 of 1,613,678 alleles (0.0018%); highest among the groups gnomAD compares: East Asian, 0.031%; no homozygotes.

Submissions (3):

Molecular Diagnostic Laboratory for Inherited Cardiovascular Disease, Montreal Heart Institute
Classification: Likely benign. Last evaluated: 2026-09-21. Review status: criteria provided, single submitter. Criteria: ACMG Guidelines, 2015. Collection method: clinical testing. Allele origin: germline. Affected: no.
Comment: BP7

Labcorp Genetics (formerly Invitae), Labcorp
Classification: Likely benign for Dilated cardiomyopathy 1G; Autosomal recessive limb-girdle muscular dystrophy type 2J. Last evaluated: 2025-12-27. Review status: criteria provided, single submitter. Criteria: Invitae Variant Classification Sherloc (09022015). Collection method: clinical testing. Allele origin: germline.

GeneDx
Classification: Likely benign. Last evaluated: 2018-09-21. Review status: criteria provided, single submitter. Criteria: GeneDx Variant Classification Process June 2021. Collection method: clinical testing. Allele origin: germline. Affected: yes.

NM_001267550.2(TTN):c.27426G>T (p.Ser9142=)

Gene: TTN (titin; minus strand). Cytogenetic location: 2q31.2.
Variant type: single nucleotide variant.
Coding change: c.27426G>T on transcript NM_001267550.2 (MANE Select); coding-DNA position 27426, G replaced by T.
Protein change: p.Ser9142=; no amino-acid change (serine 9142 retained).
Molecular consequence: synonymous variant. On other transcripts: intron variant (3).
Genome position (GRCh38, 1-based): chr2:178,712,496, C>A on the plus strand (G>T on the coding strand, the complement: TTN is on the minus strand). VCF-style: chr2-178712496-C-A. GRCh37 (hg19) VCF-style: chr2-179577223-C-A.
Other names: c.26475G>T, p.Ser8825= (NM_001256850.1); c.23694G>T, p.Ser7898= (NM_133378.4); c.13282+25586G>T (NM_003319.4); c.13858+25586G>T (NM_133437.4); c.13657+25586G>T (NM_133432.3).
Identifiers: ClinVar variation 1101993 (VCV001101993.12), dbSNP rs368081453, ClinGen allele CA1999809.
Genomic context (GRCh38, chr2:178,712,496, plus strand): 5'-CGTAGTTATATTACACCTCTGAGAAGGAGTTACATTTATGCCATTTTTCTTCCAGGTAAC[C>A]GAAATGGGAGGAGTTCCAGTGAATGTACCCTCTAGGATCAGGGGTTTTCCTTTCTCTATG-3'
Protein context (NP_001254479.2, residues 9132-9152): EGTFTGTPPI[Ser9142=]VTWKKNGINV